The following is an entry in ClinVar:

ClinVar aggregate classification (germline): Benign (1 of 4 stars; one submission).

Conditions:
Multiple endocrine neoplasia type 4. Also called: MULTIPLE ENDOCRINE NEOPLASIA, TYPE IV. Identifiers: Orphanet 276152, MedGen C1970712, MONDO:0012552, OMIM 610755.

Allele frequency attached by ClinVar (database versions not stated): gnomAD 0.00001 and 0.00025; TOPMed 0.00005; 1000 Genomes Project 30x 0.00125; 1000 Genomes Project 0.00140.
gnomAD v4.1: 516 of 1,237,506 alleles (0.042%); highest among the groups gnomAD compares: South Asian, 0.98%; 5 homozygotes.

Submission:

Illumina Laboratory Services, Illumina
Classification: Benign for Multiple endocrine neoplasia type 4. Last evaluated: 2018-01-13. Review status: criteria provided, single submitter. Criteria: ICSL Variant Classification Criteria 13 December 2019. Collection method: clinical testing. Allele origin: germline.
Comment: This variant was observed in the ICSL laboratory as part of a predisposition screen in an ostensibly healthy population. It had not been previously curated by ICSL or reported in the Human Gene Mutation Database (HGMD: prior to June 1st, 2018), and was therefore a candidate for classification through an automated scoring system. Utilizing variant allele frequency, disease prevalence and penetrance estimates, and inheritance mode, an automated score was calculated to assess if this variant is too frequent to cause the disease. Based on the score and internal cut-off values, a variant classified as benign is not then subjected to further curation. The score for this variant resulted in a classification of benign for this disease.

NM_004064.5(CDKN1B):c.-411T>C

Gene: CDKN1B (cyclin dependent kinase inhibitor 1B; plus strand). Cytogenetic location: 12p13.1.
Variant type: single nucleotide variant.
Coding change: c.-411T>C on transcript NM_004064.5 (MANE Select); 411 bases upstream of the start codon, T replaced by C.
Molecular consequence: 5 prime UTR variant.
Genome position (GRCh38, 1-based): chr12:12,717,429, T>C. VCF-style: chr12-12717429-T-C. GRCh37 (hg19) VCF-style: chr12-12870363-T-C.
Identifiers: ClinVar variation 307648 (VCV000307648.5), dbSNP rs544835565, ClinGen allele CA10632223.
Genomic context (GRCh38, chr12:12,717,429, plus strand): 5'-TTCTTCGTCAGCCTCCCTTCCACCGCCATATTGGGCCACTAAAAAAAGGGGGCTCGTCTT[T>C]TCGGGGTGTTTTTCTCCCCCTCCCCTGTCCCCGCTTGCTCACGGCTCTGCGACTCCGACG-3'